The following is an entry in ClinVar:

NM_000179.3(MSH6):c.1179A>G (p.Ala393=)

Gene: MSH6 (mutS homolog 6; plus strand). Cytogenetic location: 2p16.3.
Variant type: single nucleotide variant.
Coding change: c.1179A>G on transcript NM_000179.3 (MANE Select); coding-DNA position 1179, A replaced by G.
Protein change: p.Ala393=; no amino-acid change (alanine 393 retained).
Molecular consequence: synonymous variant.
Genome position (GRCh38, 1-based): chr2:47,799,162, A>G. VCF-style: chr2-47799162-A-G. GRCh37 (hg19) VCF-style: chr2-48026301-A-G.
Other names: c.789A>G, p.Ala263= (NM_001281492.2); c.273A>G, p.Ala91= (NM_001281493.2, NM_001281494.2).
Identifiers: ClinVar variation 491869 (VCV000491869.17), dbSNP rs144961390, ClinGen allele CA426121137.

ClinVar aggregate classification (germline): Benign/Likely benign. Review status: criteria provided, multiple submitters, no conflicts (2 of 4 stars). 4 submissions from 4 submitters: Benign (1); Likely benign (3). Last evaluated 2025-12-02.

Conditions:
Hereditary cancer-predisposing syndrome. Also called: Hereditary neoplastic syndrome; Tumor predisposition; Hereditary Cancer Syndrome; Neoplastic Syndromes, Hereditary. Identifiers: Orphanet 140162, MedGen C0027672, MeSH D009386, MONDO:0015356.
Hereditary nonpolyposis colorectal neoplasms. Identifiers: MedGen C0009405, MeSH D003123.
Lynch syndrome 5 (LYNCH5). Also called: Colorectal cancer, hereditary nonpolyposis, type 5; Hereditary non-polyposis colorectal cancer, type 5. Identifiers: Orphanet 144, MedGen C1833477, MONDO:0013710, OMIM 614350. Disease mechanism: loss of function.

Submissions (4):

Labcorp Genetics (formerly Invitae), Labcorp
Classification: Likely benign for Hereditary nonpolyposis colorectal neoplasms. Last evaluated: 2025-12-02. Review status: criteria provided, single submitter. Criteria: Invitae Variant Classification Sherloc (09022015). Collection method: clinical testing. Allele origin: germline.

Myriad Genetics, Inc.
Classification: Benign for Lynch syndrome 5. Last evaluated: 2024-12-23. Review status: criteria provided, single submitter. Criteria: Myriad Autosomal Dominant, Autosomal Recessive and X-Linked Classification Criteria (2023). Collection method: clinical testing. Allele origin: unknown.
Comment: This variant is considered benign. This variant is a silent/synonymous amino acid change and it is not expected to impact splicing.

Ambry Genetics
Classification: Likely benign for Hereditary cancer-predisposing syndrome. Last evaluated: 2022-11-24. Review status: criteria provided, single submitter. Criteria: Ambry Variant Classification Scheme 2023. Collection method: clinical testing. Allele origin: germline.

Color Diagnostics, LLC DBA Color Health
Classification: Likely benign for Hereditary cancer-predisposing syndrome. Last evaluated: 2017-04-20. Review status: criteria provided, single submitter. Criteria: ACMG Guidelines, 2015. Collection method: clinical testing. Allele origin: germline.